The following is an entry in ClinVar:

NM_000071.3(CBS):c.362G>A (p.Arg121His)

Gene: CBS (cystathionine beta-synthase; minus strand). Cytogenetic location: 21q22.3.
Variant type: single nucleotide variant.
Coding change: c.362G>A on transcript NM_000071.3 (MANE Select); coding-DNA position 362, G replaced by A.
Protein change: p.Arg121His; replaces arginine 121 with histidine.
Molecular consequence: missense variant.
Genome position (GRCh38, 1-based): chr21:43,066,332, C>T on the plus strand (G>A on the coding strand, the complement: CBS is on the minus strand). VCF-style: chr21-43066332-C-T. GRCh37 (hg19) VCF-style: chr21-44486442-C-T.
Other names: c.362G>A, p.Arg121His (NM_001178008.3, NM_001178009.3, NM_001320298.2); c.47G>A, p.Arg16His (NM_001321072.1); short protein forms R121H, R16H.
Identifiers: ClinVar variation 188948 (VCV000188948.20), dbSNP rs770095972, ClinGen allele CA274172.
Genomic context (GRCh38, chr21:43,066,332, plus strand): 5'-GTGTCCCCGGGCTTCAGCGTCCCGTCGCGCTCAGCATCCTCAATCATCCGCAGGCTGATG[C>T]GGTCCTTCACGCTCCCGCCCGCGTTGAAGAACTCACACTTGGCCACTGGGAGGCAGAGAT-3'
Protein context (NP_000062.1, residues 111-131): FFNAGGSVKD[Arg121His]ISLRMIEDAE

ClinVar aggregate classification (germline): Pathogenic/Likely pathogenic. Review status: criteria provided, multiple submitters, no conflicts (2 of 4 stars). 7 submissions from 7 submitters: Pathogenic (6); Likely pathogenic (1). Last evaluated 2025-10-08.

Conditions:
CBS-related disorder. Also called: CBS-related condition.
Homocystinuria. Identifiers: MedGen C0019880, MONDO:0004737, HP:0002156.
Classic homocystinuria. Also called: HOMOCYSTINURIA WITH OR WITHOUT RESPONSE TO PYRIDOXINE; Homocystinuria due to Cystathionine Beta-Synthase Deficiency; Homocystinuria due to CBS deficiency; Cystathionine beta-synthase deficiency; CBS deficiency. Identifiers: Orphanet 394, MedGen C0751202, MONDO:0009352, OMIM 236200.
Familial thoracic aortic aneurysm and aortic dissection (TAAD). Also called: Thoracic aortic aneurysms and dissections. Identifiers: Orphanet 91387, MedGen C4707243, MONDO:0019625.
HYPERHOMOCYSTEINEMIA, THROMBOTIC, CBS-RELATED. Identifiers: MedGen C3150344, OMIM 236200.

Allele frequency attached by ClinVar (database versions not stated): ExAC 0.00002; gnomAD exomes 0.00002; TOPMed 0.00005; gnomAD 0.00010.

Submissions (7):

PreventionGenetics, part of Exact Sciences
Classification: Pathogenic for CBS-related condition. Last evaluated: 2025-10-08. Review status: criteria provided, single submitter. Criteria: ACMG Guidelines, 2015. Collection method: clinical testing. Allele origin: germline.
Comment: The CBS c.362G>A variant is predicted to result in the amino acid substitution p.Arg121His. This variant has been reported to be causative for homocystinuria (Kraus et al. 1999. PubMed ID: 10338090; Katsushima et al. 2006. PubMed ID: 16307898; Urreizti et al. 2006. PubMed ID: 16479318). Functional characterization of the p.Arg121His variant in yeast and bacteria model systems indicated that this variant exhibited severely decreased enzymatic activity (Mayfield et al. 2012. PubMed ID: 22267502; Katsushima et al. 2006. PubMed ID: 16307898). Two alternate amino acid changes at this position (p.Arg121Cys and p.Arg121Leu) have been reported in patients with homocystinuria (Kraus et al. 1999. PubMed ID: 10338090). This variant is reported in 0.024% of alleles in individuals of African descent in gnomAD. This variant is interpreted as pathogenic.

Natera, Inc.
Classification: Pathogenic for Homocystinuria due to cystathionine beta-synthase deficiency. Last evaluated: 2025-02-05. Review status: criteria provided, single submitter. Criteria: Natera Variant Classification Schema (03/2026). Collection method: clinical testing. Allele origin: germline.
Comment: The c.362G>A variant in CBS is a missense variant predicted to cause substitution of arginine to histidine at amino acid 121. This variant is rare in the general population with a frequency below the threshold expected for the associated phenotype(s). This variant has been observed in one or more individuals affected with the associated recessive disease, as either homozygous or compound heterozygous with a second variant (PMID: 16479318, 30873612). Given the available evidence, this variant is classified as Pathogenic.

Labcorp Genetics (formerly Invitae), Labcorp
Classification: Pathogenic for HYPERHOMOCYSTEINEMIA, THROMBOTIC, CBS-RELATED. Last evaluated: 2024-06-03. Review status: criteria provided, single submitter. Criteria: Invitae Variant Classification Sherloc (09022015). Collection method: clinical testing. Allele origin: germline.
Comment: This sequence change replaces arginine, which is basic and polar, with histidine, which is basic and polar, at codon 121 of the CBS protein (p.Arg121His). This variant is present in population databases (rs770095972, gnomAD 0.03%). This missense change has been observed in individuals with homocystinuria (PMID: 10338090, 16307898, 16479318). ClinVar contains an entry for this variant (Variation ID: 188948). Advanced modeling of protein sequence and biophysical properties (such as structural, functional, and spatial information, amino acid conservation, physicochemical variation, residue mobility, and thermodynamic stability) performed at Invitae indicates that this missense variant is expected to disrupt CBS protein function with a positive predictive value of 95%. Experimental studies have shown that this missense change affects CBS function (PMID: 16307898, 22267502). This variant disrupts the p.Arg121 amino acid residue in CBS. Other variant(s) that disrupt this residue have been determined to be pathogenic (PMID: 10338090, 16307898, 21520339; Invitae). This suggests that this residue is clinically significant, and that variants that disrupt this residue are likely to be disease-causing. For these reasons, this variant has been classified as Pathogenic.

Baylor Genetics
Classification: Pathogenic for Classic homocystinuria. Last evaluated: 2024-02-15. Review status: criteria provided, single submitter. Criteria: ACMG Guidelines, 2015. Collection method: clinical testing. Allele origin: unknown.

Ambry Genetics
Classification: Pathogenic for Familial thoracic aortic aneurysm and aortic dissection. Last evaluated: 2022-06-22. Review status: criteria provided, single submitter. Criteria: Ambry Variant Classification Scheme 2023. Collection method: clinical testing. Allele origin: germline.
Comment: The p.R121H pathogenic mutation (also known as c.362G>A), located in coding exon 3 of the CBS gene, results from a G to A substitution at nucleotide position 362. The arginine at codon 121 is replaced by histidine, an amino acid with highly similar properties. This variant has been detected in the homozygous and compound heterozygous states with other alterations in CBS in several individuals with homocystinuria, features of homocystinuria and/or CBS-deficiency (Kraus JP et al. Hum Mutat, 1999;13:362-75; Urreizti R et al. J Hum Genet, 2006 Feb;51:305-313; Katsushima F et al. Mol Genet Metab, 2006 Apr;87:323-8; Van Hove JLK et al. J Inherit Metab Dis, 2019 05;42:424-437). In expression studies in E. coli, this variant showed decreased enzyme activity and impaired capability to correctly form tetramers (Katsushima F et al. Mol Genet Metab, 2006 Apr;87:323-8). In a yeast growth assay, this variant was characterized as nonfunctional (Mayfield JA et al. Genetics, 2012 Apr;190:1309-23). In addition, this alteration is predicted to be deleterious by in silico analysis. Based on the supporting evidence, this alteration is interpreted as a disease-causing mutation.

Myriad Genetics, Inc.
Classification: Likely pathogenic for Classic homocystinuria. Last evaluated: 2021-11-03. Review status: criteria provided, single submitter. Criteria: Myriad Women's Health Autosomal Recessive and X-Linked Classification Criteria (2021). Collection method: clinical testing. Allele origin: unknown.
Comment: NM_000071.2(CBS):c.362G>A(R121H) is a missense variant classified as likely pathogenic in the context of homocystinuria, CBS-related. R121H has been observed in cases with relevant disease (PMID: 10338090, 16307898, 16479318, 30873612). Functional assessments of this variant are available in the literature (PMID: 16307898, 22267502). R121H has been observed in population frequency databases (gnomAD: AFR 0.02%). In summary, NM_000071.2(CBS):c.362G>A(R121H) is a missense variant that has been observed more frequently in cases with the relevant disease than in healthy populations. Please note: this variant was assessed in the context of healthy population screening.

Women's Health and Genetics/Laboratory Corporation of America, LabCorp
Classification: Pathogenic for Homocystinuria. Last evaluated: 2020-08-31. Review status: criteria provided, single submitter. Criteria: LabCorp Variant Classification Summary - May 2015. Collection method: clinical testing. Allele origin: germline.
Comment: Variant summary: CBS c.362G>A (p.Arg121His) results in a non-conservative amino acid change located in the Pyridoxal-phosphate dependent enzyme domain of the encoded protein sequence. Five of five in-silico tools predict a damaging effect of the variant on protein function. The variant allele was found at a frequency of 2.4e-05 in 251070 control chromosomes. c.362G>A has been reported in the literature in multiple individuals affected with Homocystinuria (example, Katsushima_2006, Urreizti_2006, Kraus_1999). These data indicate that the variant is very likely to be associated with disease. At least one publication reports experimental evidence evaluating an impact on protein function. The most pronounced variant effect results in severely impaired enzyme activity resulting from impaired tetramer assembly (Katsushima_2006). One clinical diagnostic laboratory has submitted clinical-significance assessments for this variant to ClinVar after 2014 without evidence for independent evaluation and classified the variant as pathogenic citing overlapping evidence utilized in the context of this evaluation. Based on the evidence outlined above, the variant was classified as pathogenic.

Literature cited by the submitters: PubMed 16479318 (cited by 5 submitters); PubMed 30873612 (cited by 3 submitters); PubMed 10338090 (cited by 4 submitters); PubMed 16307898 (cited by 4 submitters); PubMed 22267502 (cited by 3 submitters); PubMed 21520339 (cited by Labcorp Genetics (formerly Invitae), Labcorp); PubMed 31301157 (cited by Ambry Genetics); PubMed 12686134 (cited by Women's Health and Genetics/Laboratory Corporation of America, LabCorp).